The following is an entry in ClinVar:

NM_000082.4(ERCC8):c.706G>A (p.Ala236Thr)

Gene: ERCC8 (ERCC excision repair 8, CSA ubiquitin ligase complex subunit; minus strand). Cytogenetic location: 5q12.1.
Variant type: single nucleotide variant.
Coding change: c.706G>A on transcript NM_000082.4 (MANE Select); coding-DNA position 706, G replaced by A.
Protein change: p.Ala236Thr; replaces alanine 236 with threonine.
Molecular consequence: missense variant.
Genome position (GRCh38, 1-based): chr5:60,899,639, C>T on the plus strand (G>A on the coding strand, the complement: ERCC8 is on the minus strand). VCF-style: chr5-60899639-C-T. GRCh37 (hg19) VCF-style: chr5-60195466-C-T.
Other names: c.532G>A, p.Ala178Thr (NM_001007233.3); c.247G>A, p.Ala83Thr (NM_001290285.2); short protein forms A178T, A236T, A83T.
Identifiers: ClinVar variation 2001413 (VCV002001413.1), dbSNP rs773382523, ClinGen allele CA359825608.

ClinVar aggregate classification (germline): Uncertain significance (1 of 4 stars; one submission).

gnomAD v4.1: 3 of 1,609,244 alleles (0.00019%); highest among the groups gnomAD compares: Non-Finnish European, 0.00026%; no homozygotes.

Submission:

Labcorp Genetics (formerly Invitae), Labcorp
Classification: Uncertain significance. Last evaluated: 2022-05-31. Review status: criteria provided, single submitter. Criteria: Invitae Variant Classification Sherloc (09022015). Collection method: clinical testing. Allele origin: germline.
Comment: This sequence change replaces alanine, which is neutral and non-polar, with threonine, which is neutral and polar, at codon 236 of the ERCC8 protein (p.Ala236Thr). This variant is not present in population databases (gnomAD no frequency). This variant has not been reported in the literature in individuals affected with ERCC8-related conditions. Algorithms developed to predict the effect of missense changes on protein structure and function (SIFT, PolyPhen-2, Align-GVGD) all suggest that this variant is likely to be tolerated. In summary, the available evidence is currently insufficient to determine the role of this variant in disease. Therefore, it has been classified as a Variant of Uncertain Significance.